The following is an entry in ClinVar:

ClinVar aggregate classification (germline): Uncertain significance (1 of 4 stars; one submission).

Conditions:
Cardiovascular phenotype. Identifiers: MedGen CN230736.

Submission:

Ambry Genetics
Classification: Uncertain significance for Cardiovascular phenotype. Last evaluated: 2025-03-02. Review status: criteria provided, single submitter. Criteria: Ambry Variant Classification Scheme 2023. Collection method: clinical testing. Allele origin: germline.
Comment: The p.F33I variant (also known as c.97T>A), located in coding exon 1 of the CBL gene, results from a T to A substitution at nucleotide position 97. The phenylalanine at codon 33 is replaced by isoleucine, an amino acid with highly similar properties. This amino acid position is conserved. In addition, this alteration is predicted to be tolerated by in silico analysis. Based on the available evidence, the clinical significance of this variant remains unclear.

NM_005188.4(CBL):c.97T>A (p.Phe33Ile)

Genes: CBL (Cbl proto-oncogene; plus strand), LOC130006895 (ATAC-STARR-seq lymphoblastoid silent region 3975; plus strand). Cytogenetic location: 11q23.3.
Variant type: single nucleotide variant.
Coding change: c.97T>A on transcript NM_005188.4 (MANE Select); coding-DNA position 97, T replaced by A.
Protein change: p.Phe33Ile; replaces phenylalanine 33 with isoleucine.
Molecular consequence: missense variant.
Genome position (GRCh38, 1-based): chr11:119,206,514, T>A. VCF-style: chr11-119206514-T-A. GRCh37 (hg19) VCF-style: chr11-119077224-T-A.
Other names: short protein forms F33I.
Identifiers: ClinVar variation 3827866 (VCV003827866.1).